The following is an entry in ClinVar:

NM_206933.4(USH2A):c.5789G>C (p.Arg1930Pro)

Genes: USH2A (usherin; minus strand), USH2A-AS2 (USH2A antisense RNA 2; plus strand). Cytogenetic location: 1q41.
Variant type: single nucleotide variant.
Coding change: c.5789G>C on transcript NM_206933.4 (MANE Select); coding-DNA position 5789, G replaced by C.
Protein change: p.Arg1930Pro; replaces arginine 1930 with proline.
Molecular consequence: missense variant.
Genome position (GRCh38, 1-based): chr1:216,072,957, C>G on the plus strand (G>C on the coding strand, the complement: USH2A is on the minus strand). VCF-style: chr1-216072957-C-G. GRCh37 (hg19) VCF-style: chr1-216246299-C-G.
Other names: short protein forms R1930P.
Identifiers: ClinVar variation 5003704 (VCV005003704.1).
Genomic context (GRCh38, chr1:216,072,957, plus strand): 5'-GTTGTACGTCCTCGACTCCAATCACTATATACTGAACCTCCTTCATGCGAGGCTATCACT[C>G]GATACAGGTATTCTTAAATGGAAATAAGATGCAGCAAGATTAAAATAATACTCATATAGA-3'
Protein context (NP_996816.3, residues 1920-1940): GLQPFTEYLY[Arg1930Pro]VIASHEGGSV

ClinVar aggregate classification (germline): Uncertain significance (1 of 4 stars; one submission).

Conditions:
USH2A-related disorder. Also called: USH2A-related disorders; USH2A-related condition. Identifiers: MedGen CN239332.

gnomAD v4.1: 1 of 1,613,664 alleles (0.000062%); highest among the groups gnomAD compares: East Asian, 0.0022%; no homozygotes.

Submission:

Myriad Genetics, Inc.
Classification: Uncertain significance for USH2A-related disorder. Last evaluated: 2026-04-09. Review status: criteria provided, single submitter. Criteria: Myriad Autosomal Dominant, Autosomal Recessive and X-Linked Classification Criteria (2023). Collection method: clinical testing. Allele origin: unknown.
Comment: NM_206933.2(USH2A):c.5789G>C(R1930P) is a missense variant classified as a variant of uncertain significance in the context of USH2A-related disorders. R1930P has been observed in a case with relevant disease (PMID: 36314366). Relevant functional assessments of this variant are not available in the literature. R1930P has not been observed in referenced population frequency databases. In summary, there is insufficient evidence to classify NM_206933.2(USH2A):c.5789G>C(R1930P) as pathogenic or benign. Please note: this variant was assessed in the context of healthy population screening.

Literature cited by the submitters: PubMed 36314366.